The following is an entry in ClinVar:

ClinVar aggregate classification (germline): Conflicting classifications of pathogenicity. Review status: criteria provided, conflicting classifications (1 of 4 stars). 3 submissions from 3 submitters: Pathogenic (1); Likely pathogenic (1); Uncertain significance (1). Last evaluated 2022-10-25.

Conditions:
Neurooculocardiogenitourinary syndrome. Identifiers: Orphanet 684305, MedGen C5231443, MONDO:0032850, OMIM 618652.

Submissions (3):

GeneDx
Classification: Pathogenic. Last evaluated: 2022-10-25. Review status: criteria provided, single submitter. Criteria: GeneDx Variant Classification Process June 2021. Collection method: clinical testing. Allele origin: germline. Affected: yes.
Comment: Not observed at significant frequency in large population cohorts (gnomAD); In silico analysis supports that this missense variant does not alter protein structure/function; This variant is associated with the following publications: (PMID: 32530092)

MGZ Medical Genetics Center
Classification: Uncertain significance for Neurooculocardiogenitourinary syndrome. Last evaluated: 2022-06-03. Review status: criteria provided, single submitter. Criteria: ACMG Guidelines, 2015. Collection method: clinical testing. Allele origin: germline. Affected: yes. Observed: 1 variant allele.
Comment: ACMG criteria applied: PM1, PS2_SUP, PM2_SUP, PP2

Baylor Genetics
Classification: Likely pathogenic for Neurooculocardiogenitourinary syndrome. Last evaluated: 2020-04-08. Review status: criteria provided, single submitter. Criteria: ACMG Guidelines, 2015. Collection method: clinical testing. Allele origin: de novo. Affected: yes.
Comment: This variant was determined to be likely pathogenic according to ACMG Guidelines, 2015 [PMID:25741868].

NM_014023.4(WDR37):c.344C>T (p.Thr115Ile)

Gene: WDR37 (WD repeat domain 37; plus strand). Cytogenetic location: 10p15.3.
Variant type: single nucleotide variant.
Coding change: c.344C>T on transcript NM_014023.4 (MANE Select); coding-DNA position 344, C replaced by T.
Protein change: p.Thr115Ile; replaces threonine 115 with isoleucine.
Molecular consequence: missense variant.
Genome position (GRCh38, 1-based): chr10:1,080,424, C>T. VCF-style: chr10-1080424-C-T. GRCh37 (hg19) VCF-style: chr10-1126364-C-T.
Other names: short protein forms T115I.
Identifiers: ClinVar variation 1031227 (VCV001031227.5), dbSNP rs1833994284, ClinGen allele CA375856238.